The following is an entry in ClinVar:

NM_002693.3(POLG):c.2705T>C (p.Leu902Pro)

Gene: POLG (DNA polymerase gamma, catalytic subunit; minus strand). Cytogenetic location: 15q26.1.
Variant type: single nucleotide variant.
Coding change: c.2705T>C on transcript NM_002693.3 (MANE Select); coding-DNA position 2705, T replaced by C.
Protein change: p.Leu902Pro; replaces leucine 902 with proline.
Molecular consequence: missense variant.
Genome position (GRCh38, 1-based): chr15:89,321,154, A>G on the plus strand (T>C on the coding strand, the complement: POLG is on the minus strand). VCF-style: chr15-89321154-A-G. GRCh37 (hg19) VCF-style: chr15-89864385-A-G.
Other names: c.2705T>C, p.Leu902Pro (NM_001126131.2); short protein forms L902P.
Identifiers: ClinVar variation 5037165 (VCV005037165.1).
Genomic context (GRCh38, chr15:89,321,154, plus strand): 5'-CTGGGCTGCCCCAACCCCGGCTCCTGCTCACCATGCATGCCGGCAAAGTGGGCGTCTCCA[A>G]GCACAGCTGCAATCCACAGCTCTTGGGAGTCCACATCAGCACCCACAAGGGTGTAGCCAG-3'
Protein context (NP_002684.1, residues 892-912): DSQELWIAAV[Leu902Pro]GDAHFAGMHG

ClinVar aggregate classification (germline): Uncertain significance (1 of 4 stars; one submission).

gnomAD v4.1: 1 of 1,614,112 alleles (0.000062%); highest among the groups gnomAD compares: African/African-American, 0.0013%; no homozygotes.

Submission:

GeneDx
Classification: Uncertain significance. Last evaluated: 2026-04-16. Review status: criteria provided, single submitter. Criteria: GeneDx Variant Classification Process June 2021. Collection method: clinical testing. Allele origin: germline.
Comment: Not observed at significant frequency in large population cohorts (gnomAD); In silico analysis supports that this missense variant has a deleterious effect on protein structure/function; Has not been previously published as pathogenic or benign to our knowledge